The following is an entry in ClinVar:

NM_001873.4(CPE):c.120C>G (p.Arg40=)

Gene: CPE (carboxypeptidase E; plus strand). Cytogenetic location: 4q32.3.
Variant type: single nucleotide variant.
Coding change: c.120C>G on transcript NM_001873.4 (MANE Select); coding-DNA position 120, C replaced by G.
Protein change: p.Arg40=; no amino-acid change (arginine 40 retained).
Molecular consequence: synonymous variant.
Genome position (GRCh38, 1-based): chr4:165,379,341, C>G. VCF-style: chr4-165379341-C-G. GRCh37 (hg19) VCF-style: chr4-166300493-C-G.
Identifiers: ClinVar variation 3357826 (VCV003357826.1).

ClinVar aggregate classification (germline): Likely benign (0 of 4 stars; one submission).

Conditions:
CPE-related disorder. Also called: CPE-related condition.

gnomAD v4.1: 6 of 1,583,148 alleles (0.00038%); highest among the groups gnomAD compares: Non-Finnish European, 0.00043%; no homozygotes.

Submission:

PreventionGenetics, part of Exact Sciences
Classification: Likely benign for CPE-related condition. Last evaluated: 2021-04-27. Review status: no assertion criteria provided. Collection method: clinical testing. Allele origin: germline.
Comment: This variant is classified as likely benign based on ACMG/AMP sequence variant interpretation guidelines (Richards et al. 2015 PMID: 25741868, with internal and published modifications).